The following is an entry in ClinVar:

NM_001375405.1(CEP120):c.311A>G (p.Glu104Gly)

Gene: CEP120 (centrosomal protein 120; minus strand). Cytogenetic location: 5q23.2.
Variant type: single nucleotide variant.
Coding change: c.311A>G on transcript NM_001375405.1 (MANE Select); coding-DNA position 311, A replaced by G.
Protein change: p.Glu104Gly; replaces glutamic acid 104 with glycine.
Molecular consequence: missense variant. On other transcripts: 5 prime UTR variant (2), non-coding transcript variant (1).
Genome position (GRCh38, 1-based): chr5:123,416,020, T>C on the plus strand (A>G on the coding strand, the complement: CEP120 is on the minus strand). VCF-style: chr5-123416020-T-C. GRCh37 (hg19) VCF-style: chr5-122751714-T-C.
Other names: c.233A>G, p.Glu78Gly (NM_001166226.2); c.311A>G, p.Glu104Gly (NM_001375406.1, NM_001375407.1, NM_153223.4); c.-438A>G (NM_001375408.1); c.-380A>G (NM_001375409.1); short protein forms E104G, E78G.
Identifiers: ClinVar variation 4083223 (VCV004083223.1).

ClinVar aggregate classification (germline): Uncertain significance (1 of 4 stars; one submission).

Submission:

GeneDx
Classification: Uncertain significance. Last evaluated: 2025-03-10. Review status: criteria provided, single submitter. Criteria: GeneDx Variant Classification Process June 2021. Collection method: clinical testing. Allele origin: germline. Affected: yes.
Comment: Not observed at significant frequency in large population cohorts (gnomAD); In silico analysis supports that this missense variant has a deleterious effect on protein structure/function; Has not been previously published as pathogenic or benign to our knowledge